The following is an entry in ClinVar:

ClinVar aggregate classification (germline): Uncertain significance (1 of 4 stars; one submission).

Submission:

GeneDx
Classification: Uncertain significance. Last evaluated: 2016-12-19. Review status: criteria provided, single submitter. Criteria: GeneDx Variant Classification (06012015). Collection method: clinical testing. Allele origin: germline. Affected: yes.
Comment: A variant of uncertain significance has been identified in the ACTC1 gene. The c.431 T>G (L144R) variant has not been published as a pathogenic variant, nor has it been reported as a benign variant to our knowledge. This variant was not observed in approximately 6,500 individuals of European and African American ancestry in the NHLBI Exome Sequencing Project, and it was not observed in the Exome Aggregation Consortium, indicating it is not a common benign variant in these populations. The c.431 T>G variant occurs within the last 24 nucleotides of exon 3 and could be functionally significant at the protein or mRNA level. At the protein level, c.431 T>G results in the L144R non-conservative amino acid substitution, which is likely to impact secondary protein structure as these residues differ in polarity, charge, size and/or other properties. This amino acid substitution occurs at a position that is conserved across species and in silico analysis predicts this variant is probably damaging to the protein structure/function. At the mRNA level, in silico splice prediction programs predict that c.431 T>G does not impact the natural splice donor site at intron 3 but strongly activates an upstream cryptic splice donor site which may impact splicing. However, in the absence of functional mRNA studies, the physiological consequences of the c.431 T>G variant cannot be precisely determined. Furthermore, the majority of variants reported in the ACTC1 gene are missense changes (Stenson et al., 2014), indicating haploinsufficiency of ACTC1 may not be sufficient to cause cardiomyopathy.Therefore, based on the currently available information, it is unclear whether this variant is pathogenic or rare benign.

NM_005159.5(ACTC1):c.431T>G (p.Leu144Arg)

Genes: ACTC1 (actin alpha cardiac muscle 1; minus strand), GJD2-DT (GJD2 divergent transcript; plus strand). Cytogenetic location: 15q14.
Variant type: single nucleotide variant.
Coding change: c.431T>G on transcript NM_005159.5 (MANE Select); coding-DNA position 431, T replaced by G.
Protein change: p.Leu144Arg; replaces leucine 144 with arginine.
Molecular consequence: missense variant.
Genome position (GRCh38, 1-based): chr15:34,793,268, A>C on the plus strand (T>G on the coding strand, the complement: ACTC1 is on the minus strand). VCF-style: chr15-34793268-A-C. GRCh37 (hg19) VCF-style: chr15-35085469-A-C.
Other names: c.431T>G (LRG_388t1); short protein forms L144R.
Identifiers: ClinVar variation 391898 (VCV000391898.2), dbSNP rs1057524277, ClinGen allele CA16607770.